The following is an entry in ClinVar:

NM_001377.3(DYNC2H1):c.12916A>C (p.Asn4306His)

Gene: DYNC2H1 (dynein cytoplasmic 2 heavy chain 1; plus strand). Cytogenetic location: 11q22.3.
Variant type: single nucleotide variant.
Coding change: c.12916A>C on transcript NM_001377.3 (MANE Select); coding-DNA position 12916, A replaced by C.
Protein change: p.Asn4306His; replaces asparagine 4306 with histidine.
Molecular consequence: missense variant.
Genome position (GRCh38, 1-based): chr11:103,479,245, A>C. VCF-style: chr11-103479245-A-C. GRCh37 (hg19) VCF-style: chr11-103349973-A-C.
Other names: c.12937A>C, p.Asn4313His (NM_001080463.2); short protein forms N4313H, N4306H.
Identifiers: ClinVar variation 546225 (VCV000546225.2), dbSNP rs200264343, ClinGen allele CA6255716.

ClinVar aggregate classification (germline): Uncertain significance (1 of 4 stars; one submission).

Allele frequency attached by ClinVar (database versions not stated): 1000 Genomes Project 30x 0.00031.
gnomAD v4.1: 52 of 1,610,320 alleles (0.0032%); highest among the groups gnomAD compares: South Asian, 0.051%; 1 homozygote.

Submission:

GeneDx
Classification: Uncertain significance. Last evaluated: 2018-05-16. Review status: criteria provided, single submitter. Criteria: GeneDx Variant Classification (06012015). Collection method: clinical testing. Allele origin: germline. Affected: yes.
Comment: The N4313H variant in the DYNC2H1 gene has not been reported previously as a pathogenic variant, nor as a benign variant, to our knowledge. The N4313H variant is observed in 14/29,936 (0.046%) alleles from individuals of South Asian background in large population cohorts (Lek et al., 2016). The N4313H variant is a semi-conservative amino acid substitution, which may impact secondary protein structure as these residues differ in some properties. In-silico analyses, including protein predictors and evolutionary conservation, support a deleterious effect. We interpret N4313H as a variant of uncertain significance.